The following is an entry in ClinVar:

NM_001277313.2(FMN1):c.19A>G (p.Thr7Ala)

Gene: FMN1 (formin 1; minus strand). Cytogenetic location: 15q13.3.
Variant type: single nucleotide variant.
Coding change: c.19A>G on transcript NM_001277313.2 (MANE Select); coding-DNA position 19, A replaced by G.
Protein change: p.Thr7Ala; replaces threonine 7 with alanine.
Molecular consequence: missense variant.
Genome position (GRCh38, 1-based): chr15:33,154,896, T>C on the plus strand (A>G on the coding strand, the complement: FMN1 is on the minus strand). VCF-style: chr15-33154896-T-C. GRCh37 (hg19) VCF-style: chr15-33447097-T-C.
Other names: c.19A>G, p.Thr7Ala (NM_001277314.2); short protein forms T7A.
Identifiers: ClinVar variation 3695726 (VCV003695726.2).
Genomic context (GRCh38, chr15:33,154,896, plus strand): 5'-CCTTTGGAAGACAGAAGCTGATGTAGCAGAGTTCCGTAATGGGCTTATGCAATTGGAGGG[T>C]ACAATGAGTGCCTTCCATTATGCCTACCTAATTATTCATGCCTTGGAGATGCCGGTTTGT-3'
Protein context (NP_001264242.1, residues 1-17): MEGTHC[Thr7Ala]LQLHKPITEL

ClinVar aggregate classification (germline): Uncertain significance (1 of 4 stars; one submission).

gnomAD v4.1: 3 of 1,533,934 alleles (0.0002%); highest among the groups gnomAD compares: Non-Finnish European, 0.00026%; no homozygotes.

Submission:

Labcorp Genetics (formerly Invitae), Labcorp
Classification: Uncertain significance. Last evaluated: 2025-03-16. Review status: criteria provided, single submitter. Criteria: Invitae Variant Classification Sherloc (09022015). Collection method: clinical testing. Allele origin: germline.
Comment: The FMN1 gene has multiple clinically relevant transcripts. This variant occurs in alternate transcript NM_001277314.1, and corresponds to NM_001103184.3:c.-87012A>G in the primary transcript. This sequence change replaces threonine, which is neutral and polar, with alanine, which is neutral and non-polar, at codon 7 of the FMN1 protein (p.Thr7Ala). This variant is present in population databases (no rsID available, gnomAD 0.002%). This variant has not been reported in the literature in individuals affected with FMN1-related conditions. Experimental studies and prediction algorithms are not available or were not evaluated, and the functional significance of this variant is currently unknown. In summary, the available evidence is currently insufficient to determine the role of this variant in disease. Therefore, it has been classified as a Variant of Uncertain Significance.